The following is an entry in ClinVar:

NM_024422.6(DSC2):c.706G>A (p.Glu236Lys)

Gene: DSC2 (desmocollin 2; minus strand). Cytogenetic location: 18q12.1.
Variant type: single nucleotide variant.
Coding change: c.706G>A on transcript NM_024422.6 (MANE Select); coding-DNA position 706, G replaced by A.
Protein change: p.Glu236Lys; replaces glutamic acid 236 with lysine.
Molecular consequence: missense variant.
Genome position (GRCh38, 1-based): chr18:31,087,738, C>T on the plus strand (G>A on the coding strand, the complement: DSC2 is on the minus strand). VCF-style: chr18-31087738-C-T. GRCh37 (hg19) VCF-style: chr18-28667701-C-T.
Other names: c.277G>A, p.Glu93Lys (NM_001406506.1, NM_001406507.1); c.706G>A, p.Glu236Lys (NM_004949.5); short protein forms E236K, E93K.
Identifiers: ClinVar variation 3071997 (VCV003071997.1), dbSNP rs2510952460, ClinGen allele CA402112872.

ClinVar aggregate classification (germline): Uncertain significance (1 of 4 stars; one submission).

Conditions:
Familial isolated arrhythmogenic right ventricular dysplasia. Identifiers: Orphanet 217656, MedGen C4274968, MONDO:0016342.

Submission:

All of Us Research Program, National Institutes of Health
Classification: Uncertain significance for Familial isolated arrhythmogenic right ventricular dysplasia. Last evaluated: 2023-06-26. Review status: criteria provided, single submitter. Criteria: ACMG Guidelines, 2015. Collection method: clinical testing. Allele origin: germline. Inheritance: Autosomal dominant inheritance. Observed: 1 variant allele, 1 heterozygote.
Comment: This missense variant replaces glutamic acid with lysine at codon 236 of the DSC2 protein. Computational prediction suggests that this variant may not impact protein structure and function (internally defined REVEL score threshold <= 0.5, PMID: 27666373). To our knowledge, functional studies have not been reported for this variant. This variant has not been reported in individuals affected with DSC2-related disorders in the literature. This variant has not been identified in the general population by the Genome Aggregation Database (gnomAD). The available evidence is insufficient to determine the role of this variant in disease conclusively. Therefore, this variant is classified as a Variant of Uncertain Significance.

This study involves interpretation of variants in research participants for the purpose of population health screening. Participant phenotype was not available at the time of variant classification. Additional details can be found in publication PMID: 35346344, PMCID: PMC8962531